The following is an entry in ClinVar:

NM_001330260.2(SCN8A):c.5360C>A (p.Thr1787Asn)

Gene: SCN8A (sodium voltage-gated channel alpha subunit 8; plus strand). Cytogenetic location: 12q13.13.
Variant type: single nucleotide variant.
Coding change: c.5360C>A on transcript NM_001330260.2 (MANE Select); coding-DNA position 5360, C replaced by A.
Protein change: p.Thr1787Asn; replaces threonine 1787 with asparagine.
Molecular consequence: missense variant.
Genome position (GRCh38, 1-based): chr12:51,806,846, C>A. VCF-style: chr12-51806846-C-A. GRCh37 (hg19) VCF-style: chr12-52200630-C-A.
Other names: c.5237C>A, p.Thr1746Asn (NM_001177984.3, NM_001369788.1); c.5360C>A, p.Thr1787Asn (NM_014191.4); short protein forms T1787N, T1746N.
Identifiers: ClinVar variation 430208 (VCV000430208.10), dbSNP rs1131691830, ClinGen allele CA384885535.

ClinVar aggregate classification (germline): Pathogenic/Likely pathogenic. Review status: criteria provided, multiple submitters, no conflicts (2 of 4 stars). 3 submissions from 3 submitters: Pathogenic (1); Likely pathogenic (1). 1 of the submissions does not count toward it. Last evaluated 2026-08-13.

Conditions:
Seizures, benign familial infantile, 5 (BFIS5). Also called: CONVULSIONS, BENIGN FAMILIAL INFANTILE, 5. Identifiers: Orphanet 306, MedGen C4310728, MONDO:0014903, OMIM 617080.
Early-infantile DEE. Also called: Early infantile epileptic encephalopathy with suppression bursts; Early infantile epileptic encephalopathy; Ohtahara syndrome. Identifiers: Orphanet 1934, MedGen C0393706, MONDO:0800491.

Submissions (3):

GeneDx
Classification: Pathogenic. Last evaluated: 2026-08-13. Review status: criteria provided, single submitter. Criteria: GeneDx Variant Classification Process June 2021. Collection method: clinical testing. Allele origin: germline.
Comment: Not observed at significant frequency in large population cohorts (gnomAD); This substitution is predicted to be within the C-terminal cytoplasmic domain; In silico analysis suggests that this missense variant does not alter protein structure/function; This variant is associated with the following publications: (PMID: 34979445, 36198807)

Labcorp Genetics (formerly Invitae), Labcorp
Classification: Likely pathogenic for Early-infantile DEE. Last evaluated: 2025-01-27. Review status: criteria provided, single submitter. Criteria: Invitae Variant Classification Sherloc (09022015). Collection method: clinical testing. Allele origin: germline.
Comment: This sequence change replaces threonine, which is neutral and polar, with asparagine, which is neutral and polar, at codon 1787 of the SCN8A protein (p.Thr1787Asn). This variant is not present in population databases (gnomAD no frequency). This missense change has been observed in individual(s) with clinical features of developmental and epileptic encephalopathy (PMID: 36198807). In at least one individual the variant was observed to be de novo. ClinVar contains an entry for this variant (Variation ID: 430208). Invitae Evidence Modeling of protein sequence and biophysical properties (such as structural, functional, and spatial information, amino acid conservation, physicochemical variation, residue mobility, and thermodynamic stability) indicates that this missense variant is not expected to disrupt SCN8A protein function with a negative predictive value of 95%. In summary, the currently available evidence indicates that the variant is pathogenic, but additional data are needed to prove that conclusively. Therefore, this variant has been classified as Likely Pathogenic.

Center of Excellence for Medical Genomics, Chulalongkorn University
Classification: Likely pathogenic for Seizures, benign familial infantile, 5. Last evaluated: 2002-09-08. Review status: no assertion criteria provided. Collection method: research. Allele origin: de novo. Affected: yes. Not counted in ClinVar's aggregate classification.

Literature cited by the submitters: PubMed 36198807 (cited by Labcorp Genetics (formerly Invitae), Labcorp).